The following is an entry in ClinVar:

NM_001126121.2(SLC25A19):c.311C>T (p.Thr104Met)

Gene: SLC25A19 (solute carrier family 25 member 19; minus strand). Cytogenetic location: 17q25.1.
Variant type: single nucleotide variant.
Coding change: c.311C>T on transcript NM_001126121.2 (MANE Select); coding-DNA position 311, C replaced by T.
Protein change: p.Thr104Met; replaces threonine 104 with methionine.
Molecular consequence: missense variant.
Genome position (GRCh38, 1-based): chr17:75,283,571, G>A on the plus strand (C>T on the coding strand, the complement: SLC25A19 is on the minus strand). VCF-style: chr17-75283571-G-A. GRCh37 (hg19) VCF-style: chr17-73279652-G-A.
Other names: c.311C>T (NM_021734.4); c.311C>T, p.Thr104Met (NM_001126122.2, NM_021734.5); short protein forms T104M.
Identifiers: ClinVar variation 2911633 (VCV002911633.3), dbSNP rs141366591, ClinGen allele CA294008995.

ClinVar aggregate classification (germline): Uncertain significance. Review status: criteria provided, multiple submitters, no conflicts (2 of 4 stars). 2 submissions from 2 submitters: Uncertain significance (2). Last evaluated 2025-11-20.

Conditions:
Inborn genetic diseases. Identifiers: MedGen C0950123, MeSH D030342.

Allele frequency attached by ClinVar (database versions not stated): TOPMed 0.00002; gnomAD 0.00001; ESP Exome Variant Server 0.00008; gnomAD exomes 0.00001.
gnomAD v4.1: 10 of 1,613,374 alleles (0.00062%); highest among the groups gnomAD compares: African/African-American, 0.0053%; no homozygotes.

Submissions (2):

Ambry Genetics
Classification: Uncertain significance for Inborn genetic diseases. Last evaluated: 2025-11-20. Review status: criteria provided, single submitter. Criteria: Ambry Variant Classification Scheme 2023. Collection method: clinical testing. Allele origin: germline.

Labcorp Genetics (formerly Invitae), Labcorp
Classification: Uncertain significance. Last evaluated: 2024-06-26. Review status: criteria provided, single submitter. Criteria: Invitae Variant Classification Sherloc (09022015). Collection method: clinical testing. Allele origin: germline.
Comment: This sequence change replaces threonine, which is neutral and polar, with methionine, which is neutral and non-polar, at codon 104 of the SLC25A19 protein (p.Thr104Met). This variant is present in population databases (rs141366591, gnomAD 0.007%). This variant has not been reported in the literature in individuals affected with SLC25A19-related conditions. Advanced modeling of protein sequence and biophysical properties (such as structural, functional, and spatial information, amino acid conservation, physicochemical variation, residue mobility, and thermodynamic stability) performed at Invitae indicates that this missense variant is not expected to disrupt SLC25A19 protein function with a negative predictive value of 80%. In summary, the available evidence is currently insufficient to determine the role of this variant in disease. Therefore, it has been classified as a Variant of Uncertain Significance.